The following is an entry in ClinVar:

ClinVar aggregate classification (germline): Pathogenic. Review status: criteria provided, multiple submitters, no conflicts (2 of 4 stars). 5 submissions from 5 submitters: Pathogenic (4). 1 of the submissions does not count toward it. Last evaluated 2025-06-18.

Conditions:
AXIN2-related attenuated familial adenomatous polyposis. Identifiers: Orphanet 401911, MedGen C5680012, MONDO:0018426.
Hereditary cancer-predisposing syndrome. Also called: Tumor predisposition; Neoplastic Syndromes, Hereditary; Hereditary neoplastic syndrome; Hereditary Cancer Syndrome. Identifiers: Orphanet 140162, MedGen C0027672, MeSH D009386, MONDO:0015356.
Oligodontia-cancer predisposition syndrome. Also called: TOOTH AGENESIS-COLORECTAL CANCER SYNDROME. Identifiers: Orphanet 300576, MedGen C1837750, MONDO:0012075, OMIM 608615. Disease mechanism: loss of function.

Submissions (5):

Labcorp Genetics (formerly Invitae), Labcorp
Classification: Pathogenic for Oligodontia-cancer predisposition syndrome. Last evaluated: 2025-06-18. Review status: criteria provided, single submitter. Criteria: Invitae Variant Classification Sherloc (09022015). Collection method: clinical testing. Allele origin: germline.
Comment: This sequence change creates a premature translational stop signal (p.Trp663*) in the AXIN2 gene. It is expected to result in an absent or disrupted protein product. Loss-of-function variants in AXIN2 are known to be pathogenic (PMID: 15042511, 21416598). This variant is not present in population databases (gnomAD no frequency). This premature translational stop signal has been observed in individual(s) with clinical features of AXIN2-related conditions (PMID: 21416598). It has also been observed to segregate with disease in related individuals. ClinVar contains an entry for this variant (Variation ID: 40260). For these reasons, this variant has been classified as Pathogenic.

Myriad Genetics, Inc.
Classification: Pathogenic for Oligodontia-cancer predisposition syndrome. Last evaluated: 2023-08-25. Review status: criteria provided, single submitter. Criteria: Myriad Autosomal Dominant, Autosomal Recessive and X-Linked Classification Criteria (2023). Collection method: clinical testing. Allele origin: unknown.
Comment: This variant is considered pathogenic. This variant creates a termination codon and is predicted to result in premature protein truncation.

Ambry Genetics
Classification: Pathogenic for Hereditary cancer-predisposing syndrome. Last evaluated: 2023-03-03. Review status: criteria provided, single submitter. Criteria: Ambry Variant Classification Scheme 2023. Collection method: clinical testing. Allele origin: germline.
Comment: The p.W663* variant (also known as c.1989G>A), located in coding exon 7 of the AXIN2 gene, results from a G to A substitution at nucleotide position 1989. This changes the amino acid from a tryptophan to a stop codon within coding exon 7. This alteration has been observed in patients with a personal and/or family history that is consistent with AXIN2-related disease (Marvin ML et al. Am J Med Genet A, 2011 Apr;155A:898-902; Leclerc J et al. Genes Chromosomes Cancer, 2023 Apr;62:210-222). This alteration is expected to result in loss of function by premature protein truncation or nonsense-mediated mRNA decay. As such, this alteration is interpreted as a disease-causing mutation.

Centre de Biologie Pathologie Génétique, Centre Hospitalier Universitaire de Lille
Classification: Pathogenic for AXIN2-related attenuated familial adenomatous polyposis. Last evaluated: 2021-02-01. Review status: criteria provided, single submitter. Criteria: ACMG Guidelines, 2015. Collection method: clinical testing. Allele origin: germline. Affected: yes.

OMIM
Classification: Pathogenic for OLIGODONTIA-COLORECTAL CANCER SYNDROME. Last evaluated: 2011-04-01. Review status: no assertion criteria provided. Collection method: literature only. Allele origin: germline. Not counted in ClinVar's aggregate classification.

Literature cited by the submitters: PubMed 15042511 (cited by Labcorp Genetics (formerly Invitae), Labcorp); PubMed 21416598 (cited by 4 submitters); PubMed 36502525 (cited by Ambry Genetics).

NM_004655.4(AXIN2):c.1989G>A (p.Trp663Ter)

Gene: AXIN2 (axin 2; minus strand). Cytogenetic location: 17q24.1.
Variant type: single nucleotide variant.
Coding change: c.1989G>A on transcript NM_004655.4 (MANE Select); coding-DNA position 1989, G replaced by A.
Protein change: p.Trp663Ter; replaces tryptophan 663 with a stop codon.
Molecular consequence: nonsense.
Genome position (GRCh38, 1-based): chr17:65,536,472, C>T on the plus strand (G>A on the coding strand, the complement: AXIN2 is on the minus strand). VCF-style: chr17-65536472-C-T. GRCh37 (hg19) VCF-style: chr17-63532590-C-T.
Other names: c.1989G>A (LRG_296t1); c.1794G>A, p.Trp598Ter (NM_001363813.1); short protein forms W663*, W598*.
Identifiers: ClinVar variation 40260 (VCV000040260.13), dbSNP rs730882193, ClinGen allele CA280301.
Genomic context (GRCh38, chr17:65,536,472, plus strand): 5'-AGGGTCCTGGGTGAACAGGTGGGCACGGGGGGTGGTGCGGGGGTGCCCGCTGTTGCCCCC[C>T]CACAGATGGTGCCGGCTGGCTCGTTCGCCTGGAGACGAGCGGGCAGACTCCAAGGGGTAG-3'